The following is an entry in ClinVar:

NM_000093.5(COL5A1):c.4696C>T (p.Pro1566Ser)

Genes: COL5A1 (collagen type V alpha 1 chain; plus strand), LOC101448202 (uncharacterized LOC101448202; minus strand). Cytogenetic location: 9q34.3.
Variant type: single nucleotide variant.
Coding change: c.4696C>T on transcript NM_000093.5 (MANE Select); coding-DNA position 4696, C replaced by T.
Protein change: p.Pro1566Ser; replaces proline 1566 with serine.
Molecular consequence: missense variant.
Genome position (GRCh38, 1-based): chr9:134,823,467, C>T. VCF-style: chr9-134823467-C-T. GRCh37 (hg19) VCF-style: chr9-137715313-C-T.
Other names: c.4696C>T, p.Pro1566Ser (NM_001278074.1); short protein forms P1566S.
Identifiers: ClinVar variation 4809984 (VCV004809984.1).

ClinVar aggregate classification (germline): Uncertain significance (1 of 4 stars; one submission).

Conditions:
Ehlers-Danlos syndrome, classic type, 1 (EDSCL1). Also called: Ehlers-Danlos Syndrome, Classic Type, COL5A1-Related; EDS I; EHLERS-DANLOS SYNDROME, GRAVIS TYPE; EHLERS-DANLOS SYNDROME, SEVERE CLASSIC TYPE; Ehlers-Danlos syndrome, type 1. Identifiers: MedGen C0268335, MONDO:0019567, OMIM 130000.

Submission:

Labcorp Genetics (formerly Invitae), Labcorp
Classification: Uncertain significance for Ehlers-Danlos syndrome, classic type, 1. Last evaluated: 2026-01-12. Review status: criteria provided, single submitter. Criteria: Invitae Variant Classification Sherloc (09022015). Collection method: clinical testing. Allele origin: germline.
Comment: This sequence change replaces proline, which is neutral and non-polar, with serine, which is neutral and polar, at codon 1566 of the COL5A1 protein (p.Pro1566Ser). This variant is not present in population databases (gnomAD no frequency). This variant has not been reported in the literature in individuals affected with COL5A1-related conditions. Invitae Evidence Modeling of protein sequence and biophysical properties (such as structural, functional, and spatial information, amino acid conservation, physicochemical variation, residue mobility, and thermodynamic stability) has been performed for this missense variant. However, the output from this modeling did not meet the statistical confidence thresholds required to predict the impact of this variant on COL5A1 protein function. In summary, the available evidence is currently insufficient to determine the role of this variant in disease. Therefore, it has been classified as a Variant of Uncertain Significance.